The following is an entry in ClinVar:

NM_000256.3(MYBPC3):c.1049del (p.Lys350fs)

Gene: MYBPC3 (myosin binding protein C3; minus strand). Cytogenetic location: 11p11.2.
Variant type: Deletion.
Coding change: c.1049del on transcript NM_000256.3 (MANE Select); coding-DNA position 1049, one base deleted (A; older notation c.1049delA).
Protein change: p.Lys350fs; shifts the reading frame from lysine 350.
Molecular consequence: frameshift variant.
Genome position (GRCh38, 1-based): chr11:47,346,248, T deleted on the plus strand (A on the coding strand, the reverse complement: MYBPC3 is on the minus strand); the first of 3 consecutive T bases (chr11:47,346,248-47,346,250); deleting any one gives the same sequence. VCF-style (leftmost placement, unchanged base first): chr11-47346247-CT-C. GRCh37 (hg19) VCF-style: chr11-47367798-CT-C.
Other names: c.1049delA (NM_000256.3); short protein forms K350fs.
Identifiers: ClinVar variation 2448098 (VCV002448098.2), dbSNP rs2142864164, ClinGen allele CA2580084166.
Genomic context (GRCh38, chr11:47,346,247, plus strand): 5'-CCCTCTGAGGAAGGGCTAACCTGTGCTCTTCTTCTCATCGCGCCTCATGCCCTTGAGCCT[CT>C]TTAGCATGCCGCGCAGGTCAGTGACGCCGTACTGGAAGGCGATGCGCTCGTACTCAGATG-3'

ClinVar aggregate classification (germline): Pathogenic (1 of 4 stars; one submission).

Conditions:
Cardiovascular phenotype. Identifiers: MedGen CN230736.

Submission:

Ambry Genetics
Classification: Pathogenic for Cardiovascular phenotype. Last evaluated: 2022-12-16. Review status: criteria provided, single submitter. Criteria: Ambry Variant Classification Scheme 2023. Collection method: clinical testing. Allele origin: germline.
Comment: The c.1049delA pathogenic mutation, located in coding exon 12 of the MYBPC3 gene, results from a deletion of one nucleotide at nucleotide position 1049, causing a translational frameshift with a predicted alternate stop codon (p.K350Rfs*6). This variant is considered to be rare based on population cohorts in the Genome Aggregation Database (gnomAD). This alteration is expected to result in loss of function by premature protein truncation or nonsense-mediated mRNA decay. As such, this alteration is interpreted as a disease-causing mutation.